The following is an entry in ClinVar:

ClinVar aggregate classification (germline): Uncertain significance. Review status: criteria provided, multiple submitters, no conflicts (2 of 4 stars). 2 submissions from 2 submitters: Uncertain significance (2). Last evaluated 2024-10-24.

Allele frequency attached by ClinVar (database versions not stated): ExAC 0.00001; gnomAD exomes 0.00001; TOPMed 0.00001.
gnomAD v4.1: 3 of 1,613,138 alleles (0.00019%); highest among the groups gnomAD compares: Admixed American, 0.005%; no homozygotes.

Submissions (2):

GeneDx
Classification: Uncertain significance. Last evaluated: 2024-10-24. Review status: criteria provided, single submitter. Criteria: GeneDx Variant Classification Process June 2021. Collection method: clinical testing. Allele origin: germline. Affected: yes.
Comment: Not observed at significant frequency in large population cohorts (gnomAD); Missense variant in a gene in which most reported pathogenic variants are truncating/loss of function; Has not been previously published as pathogenic or benign to our knowledge

Revvity Omics, Revvity
Classification: Uncertain significance. Last evaluated: 2020-09-15. Review status: criteria provided, single submitter. Criteria: ACMG Guidelines, 2015. Collection method: clinical testing. Allele origin: germline.

NM_001267550.2(TTN):c.94138T>G (p.Ser31380Ala)

Genes: TTN-AS1 (TTN antisense RNA 1; plus strand), TTN (titin; minus strand). Cytogenetic location: 2q31.2.
Variant type: single nucleotide variant.
Coding change: c.94138T>G on transcript NM_001267550.2 (MANE Select); coding-DNA position 94138, T replaced by G.
Protein change: p.Ser31380Ala; replaces serine 31380 with alanine.
Molecular consequence: missense variant.
Genome position (GRCh38, 1-based): chr2:178,547,488, A>C on the plus strand (T>G on the coding strand, the complement: TTN is on the minus strand). VCF-style: chr2-178547488-A-C. GRCh37 (hg19) VCF-style: chr2-179412215-A-C.
Other names: c.89215T>G, p.Ser29739Ala (NM_001256850.1); c.66943T>G, p.Ser22315Ala (NM_003319.4); c.86434T>G, p.Ser28812Ala (NM_133378.4); c.67318T>G, p.Ser22440Ala (NM_133432.3); c.67519T>G, p.Ser22507Ala (NM_133437.4); short protein forms S22315A, S22440A, S22507A, S28812A, S29739A, S31380A.
Identifiers: ClinVar variation 2437925 (VCV002437925.4), dbSNP rs764500703, ClinGen allele CA1987197.